The following is an entry in ClinVar:

ClinVar aggregate classification (germline): Uncertain significance (1 of 4 stars; one submission).

Allele frequency attached by ClinVar (database versions not stated): gnomAD exomes below 0.00001; ExAC 0.00001; TOPMed 0.00002; gnomAD 0.00001.

Submission:

Labcorp Genetics (formerly Invitae), Labcorp
Classification: Uncertain significance. Last evaluated: 2022-07-18. Review status: criteria provided, single submitter. Criteria: Invitae Variant Classification Sherloc (09022015). Collection method: clinical testing. Allele origin: germline.
Comment: This sequence change replaces glycine, which is neutral and non-polar, with arginine, which is basic and polar, at codon 241 of the ADGRV1 protein (p.Gly241Arg). This variant is present in population databases (rs577032253, gnomAD 0.006%). This variant has not been reported in the literature in individuals affected with ADGRV1-related conditions. ClinVar contains an entry for this variant (Variation ID: 1377118). Algorithms developed to predict the effect of missense changes on protein structure and function are either unavailable or do not agree on the potential impact of this missense change (SIFT: "Deleterious"; PolyPhen-2: "Probably Damaging"; Align-GVGD: "Class C0"). In summary, the available evidence is currently insufficient to determine the role of this variant in disease. Therefore, it has been classified as a Variant of Uncertain Significance.

NM_032119.4(ADGRV1):c.721G>A (p.Gly241Arg)

Gene: ADGRV1 (adhesion G protein-coupled receptor V1; plus strand). Cytogenetic location: 5q14.3.
Variant type: single nucleotide variant.
Coding change: c.721G>A on transcript NM_032119.4 (MANE Select); coding-DNA position 721, G replaced by A.
Protein change: p.Gly241Arg; replaces glycine 241 with arginine.
Molecular consequence: missense variant. On other transcripts: non-coding transcript variant (1).
Genome position (GRCh38, 1-based): chr5:90,627,259, G>A. VCF-style: chr5-90627259-G-A. GRCh37 (hg19) VCF-style: chr5-89923076-G-A.
Other names: short protein forms G241R.
Identifiers: ClinVar variation 1377118 (VCV001377118.3), dbSNP rs577032253, ClinGen allele CA3338555.
Genomic context (GRCh38, chr5:90,627,259, plus strand): 5'-TTCCTTTAACAGGTACCAGAAAATGATGAAATATTTTTAATTCAACTGAAAAGTGTAGAA[G>A]GAGGAGCTGAGATTAACACCTCTAGGAATTCCATTGAGATCATCATTAAGAAAAATGATA-3'
Protein context (NP_115495.3, residues 231-251): IFLIQLKSVE[Gly241Arg]GAEINTSRNS